The following is an entry in ClinVar:

ClinVar aggregate classification (germline): Pathogenic/Likely pathogenic. Review status: criteria provided, multiple submitters, no conflicts (2 of 4 stars). 2 submissions from 2 submitters: Pathogenic (1); Likely pathogenic (1). Last evaluated 2025-12-01.

Conditions:
Pigmentary pallidal degeneration (NBIA1). Also called: Pantothenate Kinase-Associated Neurodegeneration; Neuroaxonal dystrophy, late infantile; Hallervorden-Spatz disease; Neurodegeneration with brain iron accumulation 1; PKAN NEUROAXONAL DYSTROPHY, JUVENILE-ONSET; HARP SYNDROME. Identifiers: Orphanet 157850, MedGen C0018523, MONDO:0009319, OMIM 234200.

Submissions (2):

CeGaT Center for Human Genetics Tuebingen
Classification: Likely pathogenic. Last evaluated: 2025-12-01. Review status: criteria provided, single submitter. Criteria: CeGaT Center For Human Genetics Tuebingen Variant Classification Criteria Version 2. Collection method: clinical testing. Allele origin: germline. Affected: yes. Observed: 1 variant allele.
Comment: PANK2: PVS1:Strong, PM2

Labcorp Genetics (formerly Invitae), Labcorp
Classification: Pathogenic for Pigmentary pallidal degeneration. Last evaluated: 2020-10-06. Review status: criteria provided, single submitter. Criteria: Invitae Variant Classification Sherloc (09022015). Collection method: clinical testing. Allele origin: germline.
Comment: For these reasons, this variant has been classified as Pathogenic. This variant disrupts a region of the protein in which other variant(s) (p.Leu563Val and p.Leu566Val) have been observed in individuals with PANK2-related conditions (PMID: 28881514, 30681573). This suggests that this may be a clinically significant region of the PANK2 protein. This variant has been observed in individual(s) with clinical features of pantothenate kinase-associated neurodegeneration (Invitae). In at least one individual the data is consistent with the variant being in trans (on the opposite chromosome) from a pathogenic variant. ClinVar contains an entry for this variant (Variation ID: 852118). This variant is not present in population databases (ExAC no frequency). This sequence change results in a frameshift in the PANK2 gene (p.Gly561Glufs*26). While this is not anticipated to result in nonsense mediated decay, it is expected to disrupt the last 10 amino acids of the PANK2 protein and extend the protein by an additional 16 amino acids.

Literature cited by the submitters: PubMed 28881514 (cited by Labcorp Genetics (formerly Invitae), Labcorp); PubMed 30681573 (cited by Labcorp Genetics (formerly Invitae), Labcorp).

NM_001386393.1(PANK2):c.1352_1371del (p.Gly451fs)

Gene: PANK2 (pantothenate kinase 2; plus strand). Cytogenetic location: 20p13.
Variant type: Deletion.
Coding change: c.1352_1371del on transcript NM_001386393.1 (MANE Select); coding-DNA positions 1352 to 1371, 20 bases deleted (GAGCACTCCTTGAGCTGTTG).
Protein change: p.Gly451fs; shifts the reading frame from glycine 451.
Molecular consequence: frameshift variant. On other transcripts: non-coding transcript variant (1).
Genome position (GRCh38, 1-based): chr20:3,923,263-3,923,282, GAGCACTCCTTGAGCTGTTG deleted; deleting any 20 consecutive bases within chr20:3,923,254-3,923,282 gives the same sequence; the c. name uses the placement nearest the transcript's 3' end. VCF-style (leftmost placement, unchanged base first): chr20-3923253-GGAGCTGTTGGAGCACTCCTT-G. GRCh37 (hg19) VCF-style: chr20-3903900-GGAGCTGTTGGAGCACTCCTT-G.
Other names: c.809_828del, p.Gly270fs (NM_001324191.2, NM_024960.6, NM_153640.4); c.374_393del, p.Gly125fs (NM_001324193.2); c.1682_1701del, p.Gly561fs (NM_153638.4); short protein forms G125fs, G270fs, G561fs, G451fs.
Identifiers: ClinVar variation 852118 (VCV000852118.14), dbSNP rs2090674600, ClinGen allele CA916083739.
Genomic context (GRCh38, chr20:3,923,253, plus strand): 5'-TTGAATAAGTCTAAGGAAAATTGCACTTATTTTTGGTGTATTTTCTTTCAGGGTTATTTT[GGAGCTGTTGGAGCACTCCTT>G]GAGCTGTTGAAGATCCCGTGATCATTACCTGGGGAGGGGTTCCTGAAACCTTCCACAATG-3'